The following is an entry in ClinVar:

ClinVar aggregate classification (germline): Benign (0 of 4 stars; one submission).

Conditions:
CD207-related disorder. Also called: CD207-related condition.

Allele frequency attached by ClinVar (database versions not stated): 1000 Genomes Project 0.16214; 1000 Genomes Project 30x 0.17021; ExAC 0.21704; TOPMed 0.23006; gnomAD 0.23480; ESP Exome Variant Server 0.25489; gnomAD exomes 0.25810.
gnomAD v4.1: 411,584 of 1,611,962 alleles (26%); highest among the groups gnomAD compares: Non-Finnish European, 28%; 55,972 homozygotes.

Submission:

PreventionGenetics, part of Exact Sciences
Classification: Benign for CD207-related condition. Last evaluated: 2019-10-21. Review status: no assertion criteria provided. Collection method: clinical testing. Allele origin: germline.
Comment: This variant is classified as benign based on ACMG/AMP sequence variant interpretation guidelines (Richards et al. 2015 PMID: 25741868, with internal and published modifications).

NM_015717.5(CD207):c.984G>A (p.Pro328=)

Genes: CD207 (CD207 molecule; minus strand), LOC126806248 (BRD4-independent group 4 enhancer GRCh37_chr2:71057644-71058843; plus strand). Cytogenetic location: 2p13.3.
Variant type: single nucleotide variant.
Coding change: c.984G>A on transcript NM_015717.5 (MANE Select); coding-DNA position 984, G replaced by A.
Protein change: p.Pro328=; no amino-acid change (proline 328 retained).
Molecular consequence: synonymous variant.
Genome position (GRCh38, 1-based): chr2:70,831,053, C>T on the plus strand (G>A on the coding strand, the complement: CD207 is on the minus strand). VCF-style: chr2-70831053-C-T. GRCh37 (hg19) VCF-style: chr2-71058184-C-T.
Identifiers: ClinVar variation 3060971 (VCV003060971.2), dbSNP rs13421115, ClinGen allele CA1700230.
Genomic context (GRCh38, chr2:70,831,053, plus strand): 5'-TTTCCTCATGTTTAACAAGCGTTGGAGCTCAAAGAGTGAGCTTGGGAGCCTGTCCTGTCA[C>T]GGTTCTGATGGGACATAGGGTCGCTTACAAATGAAAAGAAACGTTTTGTCACATGGGGCA-3'
Protein context (NP_056532.4, residues 318-328): ICKRPYVPSE[Pro328=]